The following is an entry in ClinVar:

NM_201384.3(PLEC):c.10981G>A (p.Glu3661Lys)

Gene: PLEC (plectin; minus strand). Cytogenetic location: 8q24.3.
Variant type: single nucleotide variant.
Coding change: c.10981G>A on transcript NM_201384.3 (MANE Select); coding-DNA position 10981, G replaced by A.
Protein change: p.Glu3661Lys; replaces glutamic acid 3661 with lysine.
Molecular consequence: missense variant.
Genome position (GRCh38, 1-based): chr8:143,918,840, C>T on the plus strand (G>A on the coding strand, the complement: PLEC is on the minus strand). VCF-style: chr8-143918840-C-T. GRCh37 (hg19) VCF-style: chr8-144993008-C-T.
Other names: c.11062G>A, p.Glu3688Lys (NM_000445.5); c.10939G>A, p.Glu3647Lys (NM_201378.4); c.10915G>A, p.Glu3639Lys (NM_201379.3); c.11392G>A, p.Glu3798Lys (NM_201380.4); c.10885G>A, p.Glu3629Lys (NM_201381.3); c.10981G>A, p.Glu3661Lys (NM_201382.4); c.10993G>A, p.Glu3665Lys (NM_201383.3); c.11062G>A (NM_000445.3); short protein forms E3688K, E3629K, E3647K, E3798K, E3639K, E3661K, E3665K.
Identifiers: ClinVar variation 580323 (VCV000580323.10), dbSNP rs782218716, ClinGen allele CA4924472.
Genomic context (GRCh38, chr8:143,918,840, plus strand): 5'-ACTCCGCCTCGAGAGCCTCACGGAGGCTCCTGGTGCCCTCCCGGAGCAGGTTGTAGGTCT[C>T]GAGAGAGATGATCCGAGCCTCGAACAGGTCCTCAGCCGTGAGGCGGCGGCGCACGTAGTC-3'
Protein context (NP_958786.1, residues 3651-3671): DLFEARIISL[Glu3661Lys]TYNLLREGTR

ClinVar aggregate classification (germline): Uncertain significance. Review status: criteria provided, multiple submitters, no conflicts (2 of 4 stars). 2 submissions from 2 submitters: Uncertain significance (2). Last evaluated 2025-08-27.

Conditions:
Inborn genetic diseases. Identifiers: MedGen C0950123, MeSH D030342.
Epidermolysis bullosa simplex 5C, with pyloric atresia (EBS5C). Also called: PLEC1-Related Epidermolysis Bullosa with Pyloric Atresia; PLEC-Related Epidermolysis Bullosa with Pyloric Atresia; Epidermolysis bullosa simplex with pyloric atresia. Identifiers: Orphanet 158684, MedGen C2677349, MONDO:0012807, OMIM 612138.
Epidermolysis bullosa simplex with nail dystrophy (EBS5D). Identifiers: MedGen C4225309, MONDO:0014661, OMIM 616487.
Autosomal recessive limb-girdle muscular dystrophy type 2Q (LGMDR17). Also called: MUSCULAR DYSTROPHY, LIMB-GIRDLE, AUTOSOMAL RECESSIVE 17. Identifiers: Orphanet 254361, MedGen C3150989, MONDO:0013390, OMIM 613723.
Epidermolysis bullosa simplex 5B, with muscular dystrophy (EBS5B). Also called: Epidermolysis bullosa simplex with muscular dystrophy; EPIDERMOLYSIS BULLOSA SIMPLEX AND LIMB-GIRDLE MUSCULAR DYSTROPHY. Identifiers: Orphanet 257, MedGen C2931072, MONDO:0009181, OMIM 226670.
Epidermolysis bullosa simplex, Ogna type (EBS5A). Also called: Pidermolysis bullosa simplex 5A, Ogna type; EPIDERMOLYSIS BULLOSA SIMPLEX 5A, OGNA TYPE. Identifiers: Orphanet 79401, MedGen C0432317, MONDO:0007555, OMIM 131950.

Allele frequency attached by ClinVar (database versions not stated): gnomAD exomes 0.00001 and 0.00004; ExAC 0.00002; TOPMed 0.00007; gnomAD 0.00011.
gnomAD v4.1: 36 of 1,612,944 alleles (0.0022%); highest among the groups gnomAD compares: Admixed American, 0.033%; no homozygotes.

Submissions (2):

Ambry Genetics
Classification: Uncertain significance for Inborn genetic diseases. Last evaluated: 2025-08-27. Review status: criteria provided, single submitter. Criteria: Ambry Variant Classification Scheme 2023. Collection method: clinical testing. Allele origin: germline.

Labcorp Genetics (formerly Invitae), Labcorp
Classification: Uncertain significance for Autosomal recessive limb-girdle muscular dystrophy type 2Q; Epidermolysis bullosa simplex, Ogna type; Epidermolysis bullosa simplex with nail dystrophy; Epidermolysis bullosa simplex 5C, with pyloric atresia; Epidermolysis bullosa simplex 5B, with muscular dystrophy. Last evaluated: 2024-10-02. Review status: criteria provided, single submitter. Criteria: Invitae Variant Classification Sherloc (09022015). Collection method: clinical testing. Allele origin: germline.
Comment: This sequence change replaces glutamic acid, which is acidic and polar, with lysine, which is basic and polar, at codon 3688 of the PLEC protein (p.Glu3688Lys). This variant is present in population databases (rs782218716, gnomAD 0.02%). This variant has not been reported in the literature in individuals affected with PLEC-related conditions. ClinVar contains an entry for this variant (Variation ID: 580323). An algorithm developed to predict the effect of missense changes on protein structure and function (PolyPhen-2) suggests that this variant is likely to be disruptive. In summary, the available evidence is currently insufficient to determine the role of this variant in disease. Therefore, it has been classified as a Variant of Uncertain Significance.